The following is an entry in ClinVar:

ClinVar aggregate classification (germline): Uncertain significance (1 of 4 stars; one submission).

Submission:

Labcorp Genetics (formerly Invitae), Labcorp
Classification: Uncertain significance. Last evaluated: 2025-07-25. Review status: criteria provided, single submitter. Criteria: Invitae Variant Classification Sherloc (09022015). Collection method: clinical testing. Allele origin: germline.
Comment: This sequence change replaces threonine, which is neutral and polar, with proline, which is neutral and non-polar, at codon 10 of the BCAP31 protein (p.Thr10Pro). This variant is not present in population databases (gnomAD no frequency). This variant has not been reported in the literature in individuals affected with BCAP31-related conditions. An algorithm developed to predict the effect of missense changes on protein structure and function (PolyPhen-2) suggests that this variant is likely to be disruptive. In summary, the available evidence is currently insufficient to determine the role of this variant in disease. Therefore, it has been classified as a Variant of Uncertain Significance.

NM_001256447.2(BCAP31):c.28A>C (p.Thr10Pro)

Gene: BCAP31 (B cell receptor associated protein 31; minus strand). Cytogenetic location: Xq28.
Variant type: single nucleotide variant.
Coding change: c.28A>C on transcript NM_001256447.2 (MANE Select); coding-DNA position 28, A replaced by C.
Protein change: p.Thr10Pro; replaces threonine 10 with proline.
Molecular consequence: missense variant.
Genome position (GRCh38, 1-based): chrX:153,723,217, T>G on the plus strand (A>C on the coding strand, the complement: BCAP31 is on the minus strand). VCF-style: chrX-153723217-T-G. GRCh37 (hg19) VCF-style: chrX-152988672-T-G.
Other names: c.28A>C, p.Thr10Pro (NM_001139441.1, NM_005745.8); c.229A>C, p.Thr77Pro (NM_001139457.2); short protein forms T77P, T10P.
Identifiers: ClinVar variation 4724005 (VCV004724005.1).